The following is an entry in ClinVar:

ClinVar aggregate classification (germline): Uncertain significance (1 of 4 stars; one submission).

Submission:

Labcorp Genetics (formerly Invitae), Labcorp
Classification: Uncertain significance. Last evaluated: 2023-02-24. Review status: criteria provided, single submitter. Criteria: Invitae Variant Classification Sherloc (09022015). Collection method: clinical testing. Allele origin: unknown.
Comment: This variant results in a copy number gain of the genomic region encompassing exon(s) 2-5 of the FGF14 gene. This region includes the termination codon of the gene. This copy number gain extends beyond the assayed region for this gene and therefore may encompass additional genes. As the precise location of this event is unknown, it may be in tandem or it may be located elsewhere in the genome. This variant has not been reported in the literature in individuals affected with FGF14-related conditions. In summary, the available evidence is currently insufficient to determine the role of this variant in disease. Therefore, it has been classified as a Variant of Uncertain Significance.

NC_000013.10:g.(?_102375181)_(102527666_?)dup

Gene: FGF14 (fibroblast growth factor 14; minus strand). Cytogenetic location: 13q33.1.
Variant type: Duplication.
Identifiers: ClinVar variation 3244215 (VCV003244215.1).